The following is an entry in ClinVar:

ClinVar aggregate classification (germline): Uncertain significance. Review status: criteria provided, multiple submitters, no conflicts (2 of 4 stars). 2 submissions from 2 submitters: Uncertain significance (2). Last evaluated 2022-11-07.

Allele frequency attached by ClinVar (database versions not stated): gnomAD 0.00002; TOPMed 0.00002.
gnomAD v4.1: 10 of 1,613,638 alleles (0.00062%); highest among the groups gnomAD compares: African/African-American, 0.0027%; no homozygotes.

Submissions (2):

Labcorp Genetics (formerly Invitae), Labcorp
Classification: Uncertain significance. Last evaluated: 2022-11-07. Review status: criteria provided, single submitter. Criteria: Invitae Variant Classification Sherloc (09022015). Collection method: clinical testing. Allele origin: germline.
Comment: This sequence change replaces proline, which is neutral and non-polar, with leucine, which is neutral and non-polar, at codon 1485 of the RIMS1 protein (p.Pro1485Leu). This variant is present in population databases (rs776390270, gnomAD 0.004%). This variant has not been reported in the literature in individuals affected with RIMS1-related conditions. Algorithms developed to predict the effect of missense changes on protein structure and function are either unavailable or do not agree on the potential impact of this missense change (SIFT: "Deleterious"; PolyPhen-2: "Probably Damaging"; Align-GVGD: "Class C0"). In summary, the available evidence is currently insufficient to determine the role of this variant in disease. Therefore, it has been classified as a Variant of Uncertain Significance.

Blueprint Genetics
Classification: Uncertain significance. Last evaluated: 2019-10-31. Review status: criteria provided, single submitter. Criteria: ACMG Guidelines, 2015. Collection method: clinical testing. Allele origin: germline.

NM_014989.7(RIMS1):c.4454C>T (p.Pro1485Leu)

Gene: RIMS1 (regulating synaptic membrane exocytosis 1; plus strand). Cytogenetic location: 6q13.
Variant type: single nucleotide variant.
Coding change: c.4454C>T on transcript NM_014989.7 (MANE Select); coding-DNA position 4454, C replaced by T.
Protein change: p.Pro1485Leu; replaces proline 1485 with leucine.
Molecular consequence: missense variant.
Genome position (GRCh38, 1-based): chr6:72,390,685, C>T. VCF-style: chr6-72390685-C-T. GRCh37 (hg19) VCF-style: chr6-73100387-C-T.
Other names: c.2414C>T, p.Pro805Leu (NM_001168407.2); c.1829C>T, p.Pro610Leu (NM_001168408.2, NM_001350430.2); c.1658C>T, p.Pro553Leu (NM_001168409.2); c.1856C>T, p.Pro619Leu (NM_001168410.2); c.35C>T, p.Pro12Leu (NM_001168411.2); c.2375C>T, p.Pro792Leu (NM_001350414.2); c.2471C>T, p.Pro824Leu (NM_001350415.2); c.2420C>T, p.Pro807Leu (NM_001350416.2); and 54 more; short protein forms P529L, P553L, P583L, P609L, P619L, P621L, P661L, P695L.
Identifiers: ClinVar variation 1927792 (VCV001927792.6), dbSNP rs776390270, ClinGen allele CA3886513.